The following is an entry in ClinVar:

NM_006343.3(MERTK):c.1273G>A (p.Val425Met)

Gene: MERTK (MER proto-oncogene, tyrosine kinase; plus strand). Cytogenetic location: 2q13.
Variant type: single nucleotide variant.
Coding change: c.1273G>A on transcript NM_006343.3 (MANE Select); coding-DNA position 1273, G replaced by A.
Protein change: p.Val425Met; replaces valine 425 with methionine.
Molecular consequence: missense variant.
Genome position (GRCh38, 1-based): chr2:111,982,970, G>A. VCF-style: chr2-111982970-G-A. GRCh37 (hg19) VCF-style: chr2-112740547-G-A.
Other names: short protein forms V425M.
Identifiers: ClinVar variation 963464 (VCV000963464.6), dbSNP rs751150587, ClinGen allele CA1831312.

ClinVar aggregate classification (germline): Uncertain significance. Review status: criteria provided, multiple submitters, no conflicts (2 of 4 stars). 3 submissions from 3 submitters: Uncertain significance (3). Last evaluated 2026-01-07.

Conditions:
MERTK-related disorder. Also called: MERTK-related condition.
Inborn genetic diseases. Identifiers: MedGen C0950123, MeSH D030342.

Allele frequency attached by ClinVar (database versions not stated): gnomAD exomes below 0.00001; ExAC 0.00001.
gnomAD v4.1: 25 of 1,614,116 alleles (0.0015%); highest among the groups gnomAD compares: East Asian, 0.0045%; no homozygotes.

Submissions (3):

PreventionGenetics, part of Exact Sciences
Classification: Uncertain significance for MERTK-related condition. Last evaluated: 2026-01-07. Review status: criteria provided, single submitter. Criteria: ACMG Guidelines, 2015. Collection method: clinical testing. Allele origin: germline.
Comment: The MERTK c.1273G>A variant is predicted to result in the amino acid substitution p.Val425Met. To our knowledge, this variant has not been reported in the literature. This variant is reported in 0.0033% of alleles in individuals of South Asian descent in gnomAD. At this time, the clinical significance of this variant is uncertain due to the absence of conclusive functional and genetic evidence.

Ambry Genetics
Classification: Uncertain significance for Inborn genetic diseases. Last evaluated: 2024-05-28. Review status: criteria provided, single submitter. Criteria: Ambry Variant Classification Scheme 2023. Collection method: clinical testing. Allele origin: germline.

Labcorp Genetics (formerly Invitae), Labcorp
Classification: Uncertain significance. Last evaluated: 2022-06-27. Review status: criteria provided, single submitter. Criteria: Invitae Variant Classification Sherloc (09022015). Collection method: clinical testing. Allele origin: germline.
Comment: This sequence change replaces valine, which is neutral and non-polar, with methionine, which is neutral and non-polar, at codon 425 of the MERTK protein (p.Val425Met). This variant is present in population databases (rs751150587, gnomAD 0.003%). This variant has not been reported in the literature in individuals affected with MERTK-related conditions. ClinVar contains an entry for this variant (Variation ID: 963464). Algorithms developed to predict the effect of missense changes on protein structure and function output the following: SIFT: "Tolerated"; PolyPhen-2: "Benign"; Align-GVGD: "Class C0". The methionine amino acid residue is found in multiple mammalian species, which suggests that this missense change does not adversely affect protein function. In summary, the available evidence is currently insufficient to determine the role of this variant in disease. Therefore, it has been classified as a Variant of Uncertain Significance.